The following is an entry in ClinVar:

NM_000051.4(ATM):c.3758del (p.Lys1253fs)

Gene: ATM (ATM serine/threonine kinase; plus strand). Cytogenetic location: 11q22.3.
Variant type: Deletion.
Coding change: c.3758del on transcript NM_000051.4 (MANE Select); coding-DNA position 3758, one base deleted (A; older notation c.3758delA).
Protein change: p.Lys1253fs; shifts the reading frame from lysine 1253.
Molecular consequence: frameshift variant.
Genome position (GRCh38, 1-based): chr11:108,284,238, A deleted; the last of 2 consecutive A bases (chr11:108,284,237-108,284,238); deleting either gives the same sequence. VCF-style (leftmost placement, unchanged base first): chr11-108284236-TA-T. GRCh37 (hg19) VCF-style: chr11-108154963-TA-T.
Other names: c.3758del, p.Lys1253fs (NM_001351834.2); short protein forms K1253fs.
Identifiers: ClinVar variation 3656178 (VCV003656178.2).

ClinVar aggregate classification (germline): Pathogenic (1 of 4 stars; one submission).

Conditions:
Ataxia-telangiectasia syndrome (AT). Also called: LOUIS-BAR SYNDROME; Cerebello-oculocutaneous telangiectasia; Immunodeficiency with ataxia telangiectasia; ATAXIA-TELANGIECTASIA, COMPLEMENTATION GROUP A; ATAXIA-TELANGIECTASIA, FRESNO VARIANT; Ataxia-telangiectasia, complementation group D. Identifiers: Orphanet 100, MedGen C0004135, MONDO:0008840, OMIM 208900.

Submission:

Labcorp Genetics (formerly Invitae), Labcorp
Classification: Pathogenic for Ataxia-telangiectasia syndrome. Last evaluated: 2024-06-25. Review status: criteria provided, single submitter. Criteria: Invitae Variant Classification Sherloc (09022015). Collection method: clinical testing. Allele origin: germline.
Comment: This sequence change creates a premature translational stop signal (p.Lys1253Argfs*3) in the ATM gene. It is expected to result in an absent or disrupted protein product. Loss-of-function variants in ATM are known to be pathogenic (PMID: 23807571, 25614872). This variant is not present in population databases (gnomAD no frequency). This variant has not been reported in the literature in individuals affected with ATM-related conditions. For these reasons, this variant has been classified as Pathogenic.

Literature cited by the submitters: PubMed 23807571; PubMed 25614872.